The following is an entry in ClinVar:

ClinVar aggregate classification (germline): Pathogenic/Likely pathogenic. Review status: criteria provided, multiple submitters, no conflicts (2 of 4 stars). 2 submissions from 2 submitters: Pathogenic (1); Likely pathogenic (1). Last evaluated 2026-04-20.

Conditions:
Congenital hyperammonemia, type I. Also called: Carbamoyl-phosphate synthase I deficiency; Carbamoyl phosphate synthetase I deficiency disease; CPS I DEFICIENCY; Carbamoyl phosphate synthetase 1 deficiency; Hyperammonemia due to carbamoyl phosphate synthetase 1 deficiency; CPS 1 deficiency. Identifiers: Orphanet 147, MedGen C4082171, MONDO:0009376, OMIM 237300.

Submissions (2):

Women's Health and Genetics/Laboratory Corporation of America, LabCorp
Classification: Likely pathogenic for Congenital hyperammonemia, type I. Last evaluated: 2026-04-20. Review status: criteria provided, single submitter. Criteria: LabCorp Variant Classification Summary - May 2015. Collection method: clinical testing. Allele origin: germline.
Comment: Variant summary: CPS1 c.622-24A>G is located at a position not widely known to affect splicing. Consensus agreement among computational tools predicts no significant impact on normal splicing. However, at least one publication reports experimental evidence that this variant affects mRNA splicing, resulting in the skipping of exon 7 (Isler_2020). The variant allele was found at a frequency of 4e-06 in 250908 control chromosomes. c.622-24A>G has been observed in a homozygous individual affected with Carbamoylphosphate Synthetase I Deficiency (Isler_2020, Makris_2021). Together, these data indicate that the variant is likely associated with disease. The following publications have been ascertained in the context of this evaluation (PMID: 32154057, 33309754). No submitters have cited clinical significance assessments for this variant in ClinVar. Based on the evidence outlined above, the variant was classified as likely pathogenic.

Intergen Genetics and Rare Diseases Diagnosis Center
Classification: Pathogenic for Congenital hyperammonemia, type I. Last evaluated: 2026-01-26. Review status: criteria provided, single submitter. Criteria: ACMG Guidelines, 2015. Collection method: clinical testing. Allele origin: germline. Inheritance: Autosomal recessive inheritance. Affected: yes. Observed: 1 homozygote.
Comment: The CPS1:c.622-24A>G variant was identified in homozygous state in multiple affected patients evaluated at our center. The clinical and metabolic findings of the patients are consistent with the expected consequences of the related phenotype. Furthermore, the literature reports that this variant results in an effect at the RNA level, leading to functional impact.(PMID: 32154057) ACMG criteria: PVS1, PM2.

Literature cited by the submitters: PubMed 33309754 (cited by Women's Health and Genetics/Laboratory Corporation of America, LabCorp); PubMed 32154057 (cited by Women's Health and Genetics/Laboratory Corporation of America, LabCorp and Intergen Genetics and Rare Diseases Diagnosis Center).

NM_001875.5(CPS1):c.622-24A>G

Gene: CPS1 (carbamoyl-phosphate synthase 1; plus strand).
Variant type: single nucleotide variant.
Coding change: c.622-24A>G on transcript NM_001875.5 (MANE Select); 24 bases into the intron before coding-DNA position 622, A replaced by G.
Molecular consequence: intron variant.
Other names: c.622-24A>G (NM_001369257.1, NM_001122633.3); c.655-24A>G (NM_001369256.1).
Identifiers: ClinVar variation 4686724 (VCV004686724.2).